The following is an entry in ClinVar:

NM_000361.3(THBD):c.1397G>A (p.Cys466Tyr)

Gene: THBD (thrombomodulin; minus strand). Cytogenetic location: 20p11.21.
Variant type: single nucleotide variant.
Coding change: c.1397G>A on transcript NM_000361.3 (MANE Select); coding-DNA position 1397, G replaced by A.
Protein change: p.Cys466Tyr; replaces cysteine 466 with tyrosine.
Molecular consequence: missense variant.
Genome position (GRCh38, 1-based): chr20:23,048,108, C>T on the plus strand (G>A on the coding strand, the complement: THBD is on the minus strand). VCF-style: chr20-23048108-C-T. GRCh37 (hg19) VCF-style: chr20-23028745-C-T.
Other names: short protein forms C466Y.
Identifiers: ClinVar variation 1717139 (VCV001717139.5), dbSNP rs2515203108, ClinGen allele CA408405602.

ClinVar aggregate classification (germline): Uncertain significance (1 of 4 stars; one submission).

Submission:

Labcorp Genetics (formerly Invitae), Labcorp
Classification: Uncertain significance. Last evaluated: 2022-08-23. Review status: criteria provided, single submitter. Criteria: Invitae Variant Classification Sherloc (09022015). Collection method: clinical testing. Allele origin: germline.
Comment: In summary, the available evidence is currently insufficient to determine the role of this variant in disease. Therefore, it has been classified as a Variant of Uncertain Significance. Algorithms developed to predict the effect of missense changes on protein structure and function are either unavailable or do not agree on the potential impact of this missense change (SIFT: "Deleterious"; PolyPhen-2: "Benign"; Align-GVGD: "Class C15"). This variant has not been reported in the literature in individuals affected with THBD-related conditions. This variant is not present in population databases (gnomAD no frequency). This sequence change replaces cysteine, which is neutral and slightly polar, with tyrosine, which is neutral and polar, at codon 466 of the THBD protein (p.Cys466Tyr).